The following is an entry in ClinVar:

NM_015662.3(IFT172):c.1291G>A (p.Val431Ile)

Gene: IFT172 (intraflagellar transport 172; minus strand). Cytogenetic location: 2p23.3.
Variant type: single nucleotide variant.
Coding change: c.1291G>A on transcript NM_015662.3 (MANE Select); coding-DNA position 1291, G replaced by A.
Protein change: p.Val431Ile; replaces valine 431 with isoleucine.
Molecular consequence: missense variant.
Genome position (GRCh38, 1-based): chr2:27,477,251, C>T on the plus strand (G>A on the coding strand, the complement: IFT172 is on the minus strand). VCF-style: chr2-27477251-C-T. GRCh37 (hg19) VCF-style: chr2-27700118-C-T.
Other names: c.1291G>A, p.Val431Ile (NM_001410739.1); short protein forms V431I.
Identifiers: ClinVar variation 4988848 (VCV004988848.1).

ClinVar aggregate classification (germline): Uncertain significance (1 of 4 stars; one submission).

Conditions:
IFT172-related disorder. Also called: IFT172-related disorders; IFT172-related condition.

gnomAD v4.1: 13 of 1,614,028 alleles (0.00081%); highest among the groups gnomAD compares: Non-Finnish European, 0.0011%; no homozygotes.

Submission:

PreventionGenetics, part of Exact Sciences
Classification: Uncertain significance for IFT172-related condition. Last evaluated: 2025-09-08. Review status: criteria provided, single submitter. Criteria: ACMG Guidelines, 2015. Collection method: clinical testing. Allele origin: germline.
Comment: The IFT172 c.1291G>A variant is predicted to result in the amino acid substitution p.Val431Ile. To our knowledge, this variant has not been reported in the literature. This variant is reported in 0.0018% of alleles in individuals of European (Non-Finnish) descent in gnomAD. At this time, the clinical significance of this variant is uncertain due to the absence of conclusive functional and genetic evidence.